The following is an entry in ClinVar:

NM_006206.6(PDGFRA):c.2230C>T (p.Pro744Ser)

Gene: PDGFRA (platelet derived growth factor receptor alpha; plus strand). Cytogenetic location: 4q12.
Variant type: single nucleotide variant.
Coding change: c.2230C>T on transcript NM_006206.6 (MANE Select); coding-DNA position 2230, C replaced by T.
Protein change: p.Pro744Ser; replaces proline 744 with serine.
Molecular consequence: missense variant.
Genome position (GRCh38, 1-based): chr4:54,280,389, C>T. VCF-style: chr4-54280389-C-T. GRCh37 (hg19) VCF-style: chr4-55146556-C-T.
Other names: p.Pro744Ser; c.2230C>T, p.Pro744Ser (NM_001347827.2, NM_001347829.2); c.2305C>T, p.Pro769Ser (NM_001347828.2); c.2269C>T, p.Pro757Ser (NM_001347830.2); c.2230C>T (NM_006206.5); short protein forms P744S, P769S, P757S.
Identifiers: ClinVar variation 135015 (VCV000135015.29), dbSNP rs61735626, ClinGen allele CA161405.

ClinVar aggregate classification (germline): Benign/Likely benign. Review status: criteria provided, multiple submitters, no conflicts (2 of 4 stars). 8 submissions from 8 submitters: Benign (1); Likely benign (5). 2 of the submissions do not count toward it. Last evaluated 2026-02-03.

Conditions:
Hereditary cancer-predisposing syndrome. Also called: Tumor predisposition; Hereditary neoplastic syndrome; Hereditary Cancer Syndrome; Neoplastic Syndromes, Hereditary. Identifiers: Orphanet 140162, MedGen C0027672, MeSH D009386, MONDO:0015356.
Gastrointestinal stromal tumor. Also called: Gastrointestinal stromal tumor, somatic; Gastrointestinal stroma tumor. Identifiers: Orphanet 44890, MedGen C0238198, MeSH D046152, MONDO:0011719, OMIM 606764, HP:0100723.

Allele frequency attached by ClinVar (database versions not stated): gnomAD 0.00195 and 0.00206; gnomAD exomes 0.00025 and 0.00057; ExAC 0.00065; TOPMed 0.00236; 1000 Genomes Project 0.00240; ESP Exome Variant Server 0.00277; 1000 Genomes Project 30x 0.00281.
gnomAD v4.1: 683 of 1,611,340 alleles (0.042%); highest among the groups gnomAD compares: African/African-American, 0.8%; 4 homozygotes.

Submissions (8):

Labcorp Genetics (formerly Invitae), Labcorp
Classification: Benign for Gastrointestinal stromal tumor. Last evaluated: 2026-02-03. Review status: criteria provided, single submitter. Criteria: Invitae Variant Classification Sherloc (09022015). Collection method: clinical testing. Allele origin: germline.

Mayo Clinic Laboratories, Mayo Clinic
Classification: Likely benign. Last evaluated: 2025-09-04. Review status: criteria provided, single submitter. Criteria: ACMG Guidelines, 2015. Collection method: clinical testing. Allele origin: germline. Observed: 3 variant alleles.
Comment: BS1, BP6

CeGaT Center for Human Genetics Tuebingen
Classification: Likely benign. Last evaluated: 2025-06-01. Review status: criteria provided, single submitter. Criteria: CeGaT Center For Human Genetics Tuebingen Variant Classification Criteria Version 2. Collection method: clinical testing. Allele origin: germline. Affected: yes. Observed: 1 variant allele.
Comment: PDGFRA: BS2

Blueprint Genetics
Classification: Likely benign. Last evaluated: 2024-11-13. Review status: criteria provided, single submitter. Criteria: ACMG Guidelines, 2015. Collection method: clinical testing. Allele origin: germline.

Sema4
Classification: Likely benign for Hereditary cancer-predisposing syndrome. Last evaluated: 2020-12-17. Review status: criteria provided, single submitter. Criteria: Sema4 Curation Guidelines. Collection method: curation. Allele origin: germline.

Ambry Genetics
Classification: Likely benign for Hereditary cancer-predisposing syndrome. Last evaluated: 2018-11-28. Review status: criteria provided, single submitter. Criteria: Ambry Variant Classification Scheme 2023. Collection method: clinical testing. Allele origin: germline.

Genetic Services Laboratory, University of Chicago
Classification: Likely benign. Last evaluated: 2022-10-02. Review status: no assertion criteria provided. Collection method: clinical testing. Allele origin: germline. Affected: no. Not counted in ClinVar's aggregate classification.

ITMI
No classification provided. Condition: AllHighlyPenetrant. Last evaluated: 2013-09-19. Review status: no classification provided. Collection method: reference population. Allele origin: germline. Not counted in ClinVar's aggregate classification.
Comment: Please see associated publication for description of ethnicities

Literature cited by the submitters: PubMed 24728327 (cited by ITMI).